The following is an entry in ClinVar:

NM_004380.3(CREBBP):c.4442A>G (p.Asp1481Gly)

Gene: CREBBP (CREB binding protein; minus strand). Cytogenetic location: 16p13.3.
Variant type: single nucleotide variant.
Coding change: c.4442A>G on transcript NM_004380.3 (MANE Select); coding-DNA position 4442, A replaced by G.
Protein change: p.Asp1481Gly; replaces aspartic acid 1481 with glycine.
Molecular consequence: missense variant.
Genome position (GRCh38, 1-based): chr16:3,736,768, T>C on the plus strand (A>G on the coding strand, the complement: CREBBP is on the minus strand). VCF-style: chr16-3736768-T-C. GRCh37 (hg19) VCF-style: chr16-3786769-T-C.
Other names: c.4328A>G, p.Asp1443Gly (NM_001079846.1); short protein forms D1443G, D1481G.
Identifiers: ClinVar variation 1218033 (VCV001218033.3), dbSNP rs2151329858, ClinGen allele CA394563933.

ClinVar aggregate classification (germline): Likely pathogenic (1 of 4 stars; one submission).

Submission:

GeneDx
Classification: Likely pathogenic. Last evaluated: 2020-10-09. Review status: criteria provided, single submitter. Criteria: GeneDx Variant Classification Process June 2021. Collection method: clinical testing. Allele origin: germline. Affected: yes.
Comment: Not observed in large population cohorts (Lek et al., 2016); Has not been previously reported as a pathogenic or benign germline variant to our knowledge; Published functional studies did not demonstrate any effect on histone acetyltransferase enzymatic function (Duex et al., 2018); In silico analysis supports that this missense variant has a deleterious effect on protein structure/function; This variant is associated with the following publications: (PMID: 28970362)